The following is an entry in ClinVar:

ClinVar aggregate classification (germline): Uncertain significance (1 of 4 stars; one submission).

Allele frequency attached by ClinVar (database versions not stated): gnomAD exomes 0.00003.
gnomAD v4.1: 16 of 1,613,928 alleles (0.00099%); highest among the groups gnomAD compares: East Asian, 0.036%; no homozygotes.

Submission:

Labcorp Genetics (formerly Invitae), Labcorp
Classification: Uncertain significance. Last evaluated: 2019-09-28. Review status: criteria provided, single submitter. Criteria: Invitae Variant Classification Sherloc (09022015). Collection method: clinical testing. Allele origin: germline.
Comment: This sequence change falls in intron 9 of the WHRN gene. It does not directly change the encoded amino acid sequence of the WHRN protein, but it affects a nucleotide within the consensus splice site of the intron. This variant is not present in population databases (ExAC no frequency). In summary, the available evidence is currently insufficient to determine the role of this variant in disease. Therefore, it has been classified as a Variant of Uncertain Significance. Nucleotide substitutions within the consensus splice site are a relatively common cause of aberrant splicing (PMID: 17576681, 9536098). Algorithms developed to predict the effect of sequence changes on RNA splicing suggest that this variant may disrupt the consensus splice site, but this prediction has not been confirmed by published transcriptional studies. This variant has not been reported in the literature in individuals with WHRN-related conditions.

Literature cited by the submitters: PubMed 17576681; PubMed 9536098.

NM_015404.4(WHRN):c.2236+6T>A

Gene: WHRN (whirlin; minus strand). Cytogenetic location: 9q32.
Variant type: single nucleotide variant.
Coding change: c.2236+6T>A on transcript NM_015404.4 (MANE Select); 6 bases into the intron after coding-DNA position 2236, T replaced by A.
Molecular consequence: intron variant.
Genome position (GRCh38, 1-based): chr9:114,406,349, A>T on the plus strand (T>A on the coding strand, the complement: WHRN is on the minus strand). VCF-style: chr9-114406349-A-T. GRCh37 (hg19) VCF-style: chr9-117168629-A-T.
Other names: c.2236+6T>A (NM_001173425.2); c.1087+6T>A (NM_001083885.3); c.1183+6T>A (NM_001346890.1).
Identifiers: ClinVar variation 943751 (VCV000943751.9), dbSNP rs1835024592, ClinGen allele CA1139661139.